The following is an entry in ClinVar:

ClinVar aggregate classification (germline): Benign/Likely benign. Review status: criteria provided, multiple submitters, no conflicts (2 of 4 stars). 2 submissions from 2 submitters: Benign (1); Likely benign (1). Last evaluated 2024-11-20.

Allele frequency attached by ClinVar (database versions not stated): 1000 Genomes Project 30x 0.00125; TOPMed 0.00281; gnomAD 0.00359 and 0.00388; gnomAD exomes 0.00427 and 0.00432; ESP Exome Variant Server 0.00415; ExAC 0.00492; 1000 Genomes Project 0.00140.
gnomAD v4.1: 6,719 of 1,613,246 alleles (0.42%); highest among the groups gnomAD compares: Non-Finnish European, 0.47%; 25 homozygotes.

Submissions (2):

Mayo Clinic Laboratories, Mayo Clinic
Classification: Benign. Last evaluated: 2024-11-20. Review status: criteria provided, single submitter. Criteria: ACMG Guidelines, 2015. Collection method: clinical testing. Allele origin: germline. Observed: 3 variant alleles.
Comment: BA1

GeneDx
Classification: Likely benign. Last evaluated: 2019-10-19. Review status: criteria provided, single submitter. Criteria: GeneDx Variant Classification Process June 2021. Collection method: clinical testing. Allele origin: germline. Affected: yes.

NM_012434.5(SLC17A5):c.1351-23G>A

Gene: SLC17A5 (solute carrier family 17 member 5; minus strand). Cytogenetic location: 6q13.
Variant type: single nucleotide variant.
Coding change: c.1351-23G>A on transcript NM_012434.5 (MANE Select); 23 bases into the intron before coding-DNA position 1351, G replaced by A.
Molecular consequence: intron variant.
Genome position (GRCh38, 1-based): chr6:73,595,237, C>T on the plus strand (G>A on the coding strand, the complement: SLC17A5 is on the minus strand). VCF-style: chr6-73595237-C-T. GRCh37 (hg19) VCF-style: chr6-74304960-C-T.
Other names: p.?; c.1033-23G>A (NM_001382636.1); c.1120-23G>A (NM_001382629.1); c.1264-23G>A (NM_001382632.1); c.1348-23G>A (NM_001382635.1); c.1192-23G>A (NM_001382634.1); c.1260-23G>A (NM_001382630.1); c.1449-23G>A (NM_001382633.1); and 1 more.
Identifiers: ClinVar variation 1179380 (VCV001179380.3), dbSNP rs147885477, ClinGen allele CA3890275.
Genomic context (GRCh38, chr6:73,595,237, plus strand): 5'-GCAATATAGAACACGGTTTGCCATTCTCCAACAGTGTTCTATAAAGGAAGACAAAAAATG[C>T]AAGTGAAATAAAATTTTGTGTGTAGTTCACTTCATTAAAAAGATAGTGTCACAAGAGTGT-3'